The following is an entry in ClinVar:

NM_153366.4(SVEP1):c.4876A>G (p.Ile1626Val)

Gene: SVEP1 (sushi, von Willebrand factor type A, EGF and pentraxin domain containing 1; minus strand). Cytogenetic location: 9q31.3.
Variant type: single nucleotide variant.
Coding change: c.4876A>G on transcript NM_153366.4 (MANE Select); coding-DNA position 4876, A replaced by G.
Protein change: p.Ile1626Val; replaces isoleucine 1626 with valine.
Molecular consequence: missense variant.
Genome position (GRCh38, 1-based): chr9:110,435,253, T>C on the plus strand (A>G on the coding strand, the complement: SVEP1 is on the minus strand). VCF-style: chr9-110435253-T-C. GRCh37 (hg19) VCF-style: chr9-113197533-T-C.
Other names: short protein forms I1626V.
Identifiers: ClinVar variation 2673186 (VCV002673186.23), dbSNP rs151157223, ClinGen allele CA5182653.

ClinVar aggregate classification (germline): Likely benign (1 of 4 stars; one submission).

Allele frequency attached by ClinVar (database versions not stated): gnomAD 0.00021; ESP Exome Variant Server 0.00025; 1000 Genomes Project 30x 0.00031; TOPMed 0.00033; gnomAD exomes 0.00039; 1000 Genomes Project 0.00040; ExAC 0.00084.
gnomAD v4.1: 616 of 1,612,996 alleles (0.038%); highest among the groups gnomAD compares: Middle Eastern, 0.69%; 2 homozygotes.

Submission:

CeGaT Center for Human Genetics Tuebingen
Classification: Likely benign. Last evaluated: 2023-10-01. Review status: criteria provided, single submitter. Criteria: CeGaT Center For Human Genetics Tuebingen Variant Classification Criteria Version 2. Collection method: clinical testing. Allele origin: germline. Affected: yes. Observed: 1 variant allele.
Comment: SVEP1: BP4